The following is an entry in ClinVar:

NM_004260.4(RECQL4):c.3289dup (p.Ser1097fs)

Gene: RECQL4 (RecQ like helicase 4; minus strand). Cytogenetic location: 8q24.3.
Variant type: Duplication.
Coding change: c.3289dup on transcript NM_004260.4 (MANE Select); coding-DNA position 3289, one base duplicated (A; older notation c.3289dupA).
Protein change: p.Ser1097fs; shifts the reading frame from serine 1097.
Molecular consequence: frameshift variant.
Genome position (GRCh38, 1-based): chr8:144,512,015, T duplicated on the plus strand (A on the coding strand, the reverse complement: RECQL4 is on the minus strand). VCF-style (leftmost placement, unchanged base first): chr8-144512014-C-CT. GRCh37 (hg19) VCF-style: chr8-145737397-C-CT.
Other names: c.2995dup, p.Ser999Lysfs (NM_001413017.1); c.3091dup, p.Ser1031Lysfs (NM_001413018.1); c.3364dup, p.Ser1122Lysfs (NM_001413019.1); c.3193dup, p.Ser1065Lysfs (NM_001413020.1); c.2218dup, p.Ser740Lysfs (NM_001413021.1, NM_001413022.1, NM_001413024.1 and 4 more transcripts); c.2293dup, p.Ser765Lysfs (NM_001413023.1); c.3160dup, p.Ser1054Lysfs (NM_001413025.1); c.2152dup, p.Ser718Lysfs (NM_001413027.1, NM_001413030.1, NM_001413032.1); and 9 more; short protein forms S1097fs.
Identifiers: ClinVar variation 2111970 (VCV002111970.4), dbSNP rs2537973349, ClinGen allele CA2580078790.
Genomic context (GRCh38, chr8:144,512,014, plus strand): 5'-CCCGGCTCCTGCCCTTCCTCTTCCTCAAAGTAGCGGCCGAGCAGGTCCTTGAGCCTGGTG[C>CT]TGCGCTCCTCATCCTGCTGCTCCAGGCAGGGCCCGCAGCTGGGGAAGGCTACGCTGTGGG-3'

ClinVar aggregate classification (germline): Pathogenic (1 of 4 stars; one submission).

Conditions:
Baller-Gerold syndrome (BGS). Also called: CRANIOSYNOSTOSIS WITH RADIAL DEFECTS. Identifiers: Orphanet 1225, MedGen C0265308, MONDO:0009039, OMIM 218600.

Allele frequency attached by ClinVar (database versions not stated): gnomAD exomes below 0.00001.

Submission:

Labcorp Genetics (formerly Invitae), Labcorp
Classification: Pathogenic for Baller-Gerold syndrome. Last evaluated: 2022-04-20. Review status: criteria provided, single submitter. Criteria: Invitae Variant Classification Sherloc (09022015). Collection method: clinical testing. Allele origin: germline.
Comment: For these reasons, this variant has been classified as Pathogenic. This variant has not been reported in the literature in individuals affected with RECQL4-related conditions. This variant is not present in population databases (gnomAD no frequency). This sequence change creates a premature translational stop signal (p.Ser1097Lysfs*13) in the RECQL4 gene. It is expected to result in an absent or disrupted protein product. Loss-of-function variants in RECQL4 are known to be pathogenic (PMID: 12734318, 12952869).

Literature cited by the submitters: PubMed 12734318; PubMed 12952869.